The following is an entry in ClinVar:

NM_014317.5(PDSS1):c.411A>G (p.Arg137=)

Gene: PDSS1 (decaprenyl diphosphate synthase subunit 1; plus strand). Cytogenetic location: 10p12.1.
Variant type: single nucleotide variant.
Coding change: c.411A>G on transcript NM_014317.5 (MANE Select); coding-DNA position 411, A replaced by G.
Protein change: p.Arg137=; no amino-acid change (arginine 137 retained).
Molecular consequence: synonymous variant. On other transcripts: 5 prime UTR variant (1).
Genome position (GRCh38, 1-based): chr10:26,709,712, A>G. VCF-style: chr10-26709712-A-G. GRCh37 (hg19) VCF-style: chr10-26998641-A-G.
Other names: c.411A>G (NM_014317.4); c.411A>G, p.Arg137= (NM_001321978.2); c.-183A>G (NM_001321979.2).
Identifiers: ClinVar variation 518064 (VCV000518064.17), dbSNP rs114640034, ClinGen allele CA5446926.

ClinVar aggregate classification (germline): Benign/Likely benign. Review status: criteria provided, multiple submitters, no conflicts (2 of 4 stars). 7 submissions from 7 submitters: Benign (1); Likely benign (4). 2 of the submissions do not count toward it. Last evaluated 2026-09-01.

Conditions:
Deafness-encephaloneuropathy-obesity-valvulopathy syndrome. Identifiers: Orphanet 254898, MedGen C3553354, MONDO:0013837, OMIM 614651.
PDSS1-related disorder. Also called: PDSS1-related condition.

Allele frequency attached by ClinVar (database versions not stated): gnomAD exomes 0.00009 and 0.00024; ExAC 0.00030; gnomAD 0.00080 and 0.00083; ESP Exome Variant Server 0.00085; TOPMed 0.00115; 1000 Genomes Project 0.00120; 1000 Genomes Project 30x 0.00141.
gnomAD v4.1: 260 of 1,613,746 alleles (0.016%); highest among the groups gnomAD compares: African/African-American, 0.33%; 1 homozygote.

Submissions (7):

CeGaT Center for Human Genetics Tuebingen
Classification: Likely benign. Last evaluated: 2026-09-01. Review status: criteria provided, single submitter. Criteria: CeGaT Center For Human Genetics Tuebingen Variant Classification Criteria Version 2. Collection method: clinical testing. Allele origin: germline. Affected: yes. Observed: 1 variant allele.
Comment: PDSS1: BP4, BP7

Labcorp Genetics (formerly Invitae), Labcorp
Classification: Benign. Last evaluated: 2026-01-19. Review status: criteria provided, single submitter. Criteria: Invitae Variant Classification Sherloc (09022015). Collection method: clinical testing. Allele origin: germline.

Blueprint Genetics
Classification: Likely benign. Last evaluated: 2024-09-18. Review status: criteria provided, single submitter. Criteria: ACMG Guidelines, 2015. Collection method: clinical testing. Allele origin: germline.

Fulgent Genetics
Classification: Likely benign for Deafness-encephaloneuropathy-obesity-valvulopathy syndrome. Last evaluated: 2022-01-18. Review status: criteria provided, single submitter. Criteria: ACMG Guidelines, 2015. Collection method: clinical testing. Allele origin: unknown.

GeneDx
Classification: Likely benign. Last evaluated: 2019-11-21. Review status: criteria provided, single submitter. Criteria: GeneDx Variant Classification Process June 2021. Collection method: clinical testing. Allele origin: germline. Affected: yes.

Genetic Services Laboratory, University of Chicago
Classification: Likely benign. Last evaluated: 2022-08-15. Review status: no assertion criteria provided. Collection method: clinical testing. Allele origin: germline. Affected: no. Not counted in ClinVar's aggregate classification.

PreventionGenetics, part of Exact Sciences
Classification: Likely benign for PDSS1-related condition. Last evaluated: 2019-06-27. Review status: no assertion criteria provided. Collection method: clinical testing. Allele origin: germline. Not counted in ClinVar's aggregate classification.
Comment: This variant is classified as likely benign based on ACMG/AMP sequence variant interpretation guidelines (Richards et al. 2015 PMID: 25741868, with internal and published modifications).